The following is an entry in ClinVar:

NM_000255.4(MMUT):c.1763G>T (p.Arg588Leu)

Gene: MMUT (methylmalonyl-CoA mutase; minus strand). Cytogenetic location: 6p12.3.
Variant type: single nucleotide variant.
Coding change: c.1763G>T on transcript NM_000255.4 (MANE Select); coding-DNA position 1763, G replaced by T.
Protein change: p.Arg588Leu; replaces arginine 588 with leucine.
Molecular consequence: missense variant.
Genome position (GRCh38, 1-based): chr6:49,441,885, C>A on the plus strand (G>T on the coding strand, the complement: MMUT is on the minus strand). VCF-style: chr6-49441885-C-A. GRCh37 (hg19) VCF-style: chr6-49409598-C-A.
Other names: short protein forms R588L.
Identifiers: ClinVar variation 937137 (VCV000937137.6), dbSNP rs141829043, ClinGen allele CA3846753.

ClinVar aggregate classification (germline): Uncertain significance. Review status: criteria provided, multiple submitters, no conflicts (2 of 4 stars). 4 submissions from 4 submitters: Uncertain significance (3). 1 of the submissions does not count toward it. Last evaluated 2024-08-19.

Conditions:
Methylmalonic aciduria due to methylmalonyl-CoA mutase deficiency (MAMM). Also called: Methylmalonic aciduria, mut type. Identifiers: Orphanet 27, MedGen C1855114, MONDO:0009612, OMIM 251000.
Methylmalonic aciduria due to complete methylmalonyl-CoA mutase deficiency.

Allele frequency attached by ClinVar (database versions not stated): TOPMed 0.00015; gnomAD 0.00017 and 0.00018; ESP Exome Variant Server 0.00023; 1000 Genomes Project 0.00040; 1000 Genomes Project 30x 0.00047.
gnomAD v4.1: 44 of 1,611,992 alleles (0.0027%); highest among the groups gnomAD compares: African/African-American, 0.048%; no homozygotes.

Submissions (4):

Ambry Genetics
Classification: Uncertain significance. Last evaluated: 2024-08-19. Review status: criteria provided, single submitter. Criteria: Ambry Variant Classification Scheme 2023. Collection method: clinical testing. Allele origin: germline.

Labcorp Genetics (formerly Invitae), Labcorp
Classification: Uncertain significance. Last evaluated: 2022-08-09. Review status: criteria provided, single submitter. Criteria: Invitae Variant Classification Sherloc (09022015). Collection method: clinical testing. Allele origin: germline.
Comment: This sequence change replaces arginine, which is basic and polar, with leucine, which is neutral and non-polar, at codon 588 of the MUT protein (p.Arg588Leu). This variant is present in population databases (rs141829043, gnomAD 0.05%). This variant has not been reported in the literature in individuals affected with MUT-related conditions. ClinVar contains an entry for this variant (Variation ID: 937137). Algorithms developed to predict the effect of missense changes on protein structure and function output the following: SIFT: "Deleterious"; PolyPhen-2: "Benign"; Align-GVGD: "Class C0". The leucine amino acid residue is found in multiple mammalian species, which suggests that this missense change does not adversely affect protein function. In summary, the available evidence is currently insufficient to determine the role of this variant in disease. Therefore, it has been classified as a Variant of Uncertain Significance.

Fulgent Genetics
Classification: Uncertain significance for Methylmalonic aciduria due to methylmalonyl-CoA mutase deficiency. Last evaluated: 2022-02-02. Review status: criteria provided, single submitter. Criteria: ACMG Guidelines, 2015. Collection method: clinical testing. Allele origin: unknown.

Natera, Inc.
Classification: Uncertain significance for Methylmalonic aciduria due to complete methylmalonyl-CoA mutase deficiency. Last evaluated: 2020-05-15. Review status: no assertion criteria provided. Collection method: clinical testing. Allele origin: germline. Not counted in ClinVar's aggregate classification.